The following is an entry in ClinVar:

ClinVar aggregate classification (germline): Uncertain significance (1 of 4 stars; one submission).

Conditions:
Hereditary sensory and autonomic neuropathy type 6. Also called: Neuropathy, hereditary sensory and autonomic, type VI; HSAN VI. Identifiers: Orphanet 314381, MedGen C3539003, MONDO:0013839, OMIM 614653.
Epidermolysis bullosa simplex 3, localized or generalized intermediate, with BP230 deficiency (EBS3). Also called: Epidermolysis bullosa simplex, autosomal recessive 2; Epidermolysis bullosa simplex due to BP230 deficiency. Identifiers: Orphanet 412181, MedGen C3809470, MONDO:0014180, OMIM 615425.

Allele frequency attached by ClinVar (database versions not stated): ExAC 0.00001; TOPMed 0.00006; 1000 Genomes Project 30x 0.00016; 1000 Genomes Project 0.00020.
gnomAD v4.1: 9 of 1,604,646 alleles (0.00056%); highest among the groups gnomAD compares: African/African-American, 0.012%; no homozygotes.

Submission:

Labcorp Genetics (formerly Invitae), Labcorp
Classification: Uncertain significance for Epidermolysis bullosa simplex 3, localized or generalized intermediate, with BP230 deficiency; Hereditary sensory and autonomic neuropathy type 6. Last evaluated: 2023-10-13. Review status: criteria provided, single submitter. Criteria: Invitae Variant Classification Sherloc (09022015). Collection method: clinical testing. Allele origin: germline.
Comment: The DST gene has multiple clinically relevant transcripts. This variant occurs in alternate transcript NM_015548.4:c.9682G>T, and corresponds to NM_001723.5:c.*86025G>T in the primary transcript. This sequence change replaces aspartic acid, which is acidic and polar, with tyrosine, which is neutral and polar, at codon 3228 of the DST protein (p.Asp3228Tyr). This variant is present in population databases (rs180773742, gnomAD 0.03%). This variant has not been reported in the literature in individuals affected with DST-related conditions. In summary, the available evidence is currently insufficient to determine the role of this variant in disease. Therefore, it has been classified as a Variant of Uncertain Significance.

NM_001374736.1(DST):c.17551G>T (p.Asp5851Tyr)

Gene: DST (dystonin; minus strand). Cytogenetic location: 6p12.1.
Variant type: single nucleotide variant.
Coding change: c.17551G>T on transcript NM_001374736.1 (MANE Select); coding-DNA position 17551, G replaced by T.
Protein change: p.Asp5851Tyr; replaces aspartic acid 5851 with tyrosine.
Molecular consequence: missense variant. On other transcripts: intron variant (2).
Genome position (GRCh38, 1-based): chr6:56,529,492, C>A on the plus strand (G>T on the coding strand, the complement: DST is on the minus strand). VCF-style: chr6-56529492-C-A. GRCh37 (hg19) VCF-style: chr6-56394290-C-A.
Other names: c.11194G>T, p.Asp3732Tyr (NM_001144769.5); c.10780G>T, p.Asp3594Tyr (NM_001144770.2); c.17551G>T, p.Asp5851Tyr (NM_001374722.1); c.17578G>T, p.Asp5860Tyr (NM_001374734.1); c.9682G>T, p.Asp3228Tyr (NM_015548.5); c.10660G>T, p.Asp3554Tyr (NM_183380.4); c.10377+482G>T (NM_001374730.1); c.16635+482G>T (NM_001374729.1); short protein forms D3228Y, D3554Y, D3594Y, D5851Y, D5860Y, D3732Y.
Identifiers: ClinVar variation 968545 (VCV000968545.8), dbSNP rs180773742, ClinGen allele CA3867419.